The following is an entry in ClinVar:

NM_021008.4(DEAF1):c.38T>C (p.Leu13Pro)

Gene: DEAF1 (DEAF1 transcription factor; minus strand). Cytogenetic location: 11p15.5.
Variant type: single nucleotide variant.
Coding change: c.38T>C on transcript NM_021008.4 (MANE Select); coding-DNA position 38, T replaced by C.
Protein change: p.Leu13Pro; replaces leucine 13 with proline.
Molecular consequence: missense variant. On other transcripts: intron variant (1).
Genome position (GRCh38, 1-based): chr11:695,010, A>G on the plus strand (T>C on the coding strand, the complement: DEAF1 is on the minus strand). VCF-style: chr11-695010-A-G. GRCh37 (hg19) VCF-style: chr11-695010-A-G.
Other names: c.38T>C, p.Leu13Pro (NM_001293634.2); c.-437-3412T>C (NM_001367390.1); short protein forms L13P.
Identifiers: ClinVar variation 1718799 (VCV001718799.5), dbSNP rs2494508748, ClinGen allele CA378940677.
Genomic context (GRCh38, chr11:695,010, plus strand): 5'-GCCGCGGCCGCGGCCGCCGCCGCCACAGCGGCCGCGGCCGCCACCGCCGCCGCCTCAGCC[A>G]GGCCCAGCTGCTTTGCCGCCGAGTCCGAGTCCTCCATCCGGACTCCGCCGAGCCTTCCCG-3'
Protein context (NP_066288.2, residues 3-23): DSDSAAKQLG[Leu13Pro]AEAAAVAAAA

ClinVar aggregate classification (germline): Uncertain significance (1 of 4 stars; one submission).

Submission:

Labcorp Genetics (formerly Invitae), Labcorp
Classification: Uncertain significance. Last evaluated: 2023-10-22. Review status: criteria provided, single submitter. Criteria: Invitae Variant Classification Sherloc (09022015). Collection method: clinical testing. Allele origin: germline.
Comment: This sequence change replaces leucine, which is neutral and non-polar, with proline, which is neutral and non-polar, at codon 13 of the DEAF1 protein (p.Leu13Pro). This variant is not present in population databases (gnomAD no frequency). This variant has not been reported in the literature in individuals affected with DEAF1-related conditions. ClinVar contains an entry for this variant (Variation ID: 1718799). Algorithms developed to predict the effect of missense changes on protein structure and function output the following: SIFT: "Not Available"; PolyPhen-2: "Probably Damaging"; Align-GVGD: "Not Available". The proline amino acid residue is found in multiple mammalian species, which suggests that this missense change does not adversely affect protein function. In summary, the available evidence is currently insufficient to determine the role of this variant in disease. Therefore, it has been classified as a Variant of Uncertain Significance.